The following is an entry in ClinVar:

NM_000173.7(GP1BA):c.1693T>G (p.Ser565Ala)

Gene: GP1BA (glycoprotein Ib platelet subunit alpha; plus strand). Cytogenetic location: 17p13.2.
Variant type: single nucleotide variant.
Coding change: c.1693T>G on transcript NM_000173.7 (MANE Select); coding-DNA position 1693, T replaced by G.
Protein change: p.Ser565Ala; replaces serine 565 with alanine.
Molecular consequence: missense variant.
Genome position (GRCh38, 1-based): chr17:4,934,297, T>G. VCF-style: chr17-4934297-T-G. GRCh37 (hg19) VCF-style: chr17-4837592-T-G.
Other names: short protein forms S565A.
Identifiers: ClinVar variation 2599285 (VCV002599285.4), dbSNP rs369687174, ClinGen allele CA8315048.
Genomic context (GRCh38, chr17:4,934,297, plus strand): 5'-TCTGTGGTCCTCATCCTGCTGCTGAGCTGGGTTGGGCATGTGAAACCACAGGCCCTGGAC[T>G]CTGGCCAAGGTGCTGCTCTGACCACAGCCACACAAACCACACACCTGGAGCTGCAGAGGG-3'
Protein context (NP_000164.5, residues 555-575): VGHVKPQALD[Ser565Ala]GQGAALTTAT

ClinVar aggregate classification (germline): Uncertain significance. Review status: criteria provided, multiple submitters, no conflicts (2 of 4 stars). 2 submissions from 2 submitters: Uncertain significance (2). Last evaluated 2026-04-22.

Conditions:
Inborn genetic diseases. Identifiers: MedGen C0950123, MeSH D030342.

Allele frequency attached by ClinVar (database versions not stated): ExAC 0.00002; ESP Exome Variant Server 0.00008; gnomAD 0.00010; TOPMed 0.00011.

Submissions (2):

Women's Health and Genetics/Laboratory Corporation of America, LabCorp
Classification: Uncertain significance. Last evaluated: 2026-04-22. Review status: criteria provided, single submitter. Criteria: LabCorp Variant Classification Summary - May 2015. Collection method: clinical testing. Allele origin: germline.
Comment: Variant summary: GP1BA c.1693T>G (p.Ser565Ala) results in a conservative amino acid change in the encoded protein sequence. Algorithms developed to predict the effect of missense changes on protein structure and function all suggest that this variant is likely to be tolerated. The variant allele was found at a frequency of 2.4e-05 in 249180 control chromosomes. The available data on variant occurrences in the general population are insufficient to allow any conclusion about variant significance. To our knowledge, no occurrence of c.1693T>G in individuals affected with GP1BA-related conditions and no experimental evidence demonstrating its impact on protein function have been reported. ClinVar contains an entry for this variant (Variation ID: 2599285). Based on the evidence outlined above, the variant was classified as uncertain significance.

Ambry Genetics
Classification: Uncertain significance for Inborn genetic diseases. Last evaluated: 2023-06-21. Review status: criteria provided, single submitter. Criteria: Ambry Variant Classification Scheme 2023. Collection method: clinical testing. Allele origin: germline.